The following is an entry in ClinVar:

NM_001378189.1(CFAP57):c.434C>T (p.Ala145Val)

Genes: CFAP57 (cilia and flagella associated protein 57; plus strand), EBNA1BP2 (EBNA1 binding protein 2; minus strand), LOC105378685 (uncharacterized LOC105378685; minus strand). Cytogenetic location: 1p34.2.
Variant type: single nucleotide variant.
Coding change: c.434C>T on transcript NM_001378189.1 (MANE Select); coding-DNA position 434, C replaced by T.
Protein change: p.Ala145Val; replaces alanine 145 with valine.
Molecular consequence: missense variant.
Genome position (GRCh38, 1-based): chr1:43,181,810, C>T. VCF-style: chr1-43181810-C-T. GRCh37 (hg19) VCF-style: chr1-43647481-C-T.
Other names: c.434C>T, p.Ala145Val (NM_001167965.1, NM_001195831.3, NM_152498.3); short protein forms A145V.
Identifiers: ClinVar variation 2629427 (VCV002629427.1), dbSNP rs2545088849, ClinGen allele CA339996943.

ClinVar aggregate classification (germline): Uncertain significance (1 of 4 stars; one submission).

Conditions:
CFAP57-related disorder. Also called: CFAP57-related condition.

Submission:

PreventionGenetics, part of Exact Sciences
Classification: Uncertain significance for CFAP57-related condition. Last evaluated: 2023-07-22. Review status: criteria provided, single submitter. Criteria: ACMG Guidelines, 2015. Collection method: clinical testing. Allele origin: germline.
Comment: The CFAP57 c.434C>T variant is predicted to result in the amino acid substitution p.Ala145Val. To our knowledge, this variant has not been reported in the literature or in a large population database, indicating this variant is rare. At this time, the clinical significance of this variant is uncertain due to the absence of conclusive functional and genetic evidence.